The following is an entry in ClinVar:

ClinVar aggregate classification (germline): Uncertain significance (1 of 4 stars; one submission).

Submission:

GeneDx
Classification: Uncertain significance. Last evaluated: 2013-05-30. Review status: criteria provided, single submitter. Criteria: GeneDx Variant Classification (06012015). Collection method: clinical testing. Allele origin: germline. Affected: yes.
Comment: Missense variants in the TTN gene are considered 'unclassified' if they are not previously reported in the literature and do not have >1% frequency in the population to be considered a polymorphism. Research indicates that truncating mutations in the TTN gene are expected to account for approximately 25% of familial and 18% of sporadic idiopathic DCM; however, truncating variants in the TTN gene have been reported in approximately 3% of reported control alleles. There has been little investigation into non-truncating variants. (Herman D et al. Truncations of titin causing dilated cardiomyopathy. N Eng J Med 366:619-628, 2012) The variant is found in DCM panel(s).

NM_001267550.2(TTN):c.77357C>T (p.Ala25786Val)

Genes: TTN (titin; minus strand), TTN-AS1 (TTN antisense RNA 1; plus strand). Cytogenetic location: 2q31.2.
Variant type: single nucleotide variant.
Coding change: c.77357C>T on transcript NM_001267550.2 (MANE Select); coding-DNA position 77357, C replaced by T.
Protein change: p.Ala25786Val; replaces alanine 25786 with valine.
Molecular consequence: missense variant.
Genome position (GRCh38, 1-based): chr2:178,568,775, G>A on the plus strand (C>T on the coding strand, the complement: TTN is on the minus strand). VCF-style: chr2-178568775-G-A. GRCh37 (hg19) VCF-style: chr2-179433502-G-A.
Other names: p.A24145V:GCA>GTA; c.72434C>T, p.Ala24145Val (NM_001256850.1); c.50162C>T, p.Ala16721Val (NM_003319.4); c.69653C>T, p.Ala23218Val (NM_133378.4); c.50537C>T, p.Ala16846Val (NM_133432.3); c.50738C>T, p.Ala16913Val (NM_133437.4); short protein forms A24145V, A25786V, A16913V, A16721V, A16846V, A23218V.
Identifiers: ClinVar variation 202880 (VCV000202880.2), dbSNP rs794729504, ClinGen allele CA310572.